The following is an entry in ClinVar:

ClinVar aggregate classification (germline): Benign/Likely benign. Review status: criteria provided, multiple submitters, no conflicts (2 of 4 stars). 3 submissions from 3 submitters: Benign (1); Likely benign (2). Last evaluated 2024-10-23.

Conditions:
Birt-Hogg-Dube syndrome 1 (BHD1). Also called: FIBROFOLLICULOMAS WITH TRICHODISCOMAS AND ACROCHORDONS. Identifiers: Orphanet 122, MedGen CN375946, MONDO:0800445, OMIM 135150.
Hereditary cancer-predisposing syndrome. Also called: Tumor predisposition; Neoplastic Syndromes, Hereditary; Hereditary Cancer Syndrome; Hereditary neoplastic syndrome. Identifiers: Orphanet 140162, MedGen C0027672, MeSH D009386, MONDO:0015356.
Birt-Hogg-Dube syndrome. Also called: Birt Hogg Dubé syndrome. Identifiers: Orphanet 122, MedGen C0346010, MONDO:0800444.

Submissions (3):

Myriad Genetics, Inc.
Classification: Benign for Birt-Hogg-Dube syndrome 1. Last evaluated: 2024-10-23. Review status: criteria provided, single submitter. Criteria: Myriad Autosomal Dominant, Autosomal Recessive and X-Linked Classification Criteria (2023). Collection method: clinical testing. Allele origin: unknown.
Comment: This variant is considered benign. This variant is a silent/synonymous amino acid change and it is not expected to impact splicing.

Labcorp Genetics (formerly Invitae), Labcorp
Classification: Likely benign for Birt-Hogg-Dube syndrome. Last evaluated: 2018-08-13. Review status: criteria provided, single submitter. Criteria: Invitae Variant Classification Sherloc (09022015). Collection method: clinical testing. Allele origin: germline.

Ambry Genetics
Classification: Likely benign for Hereditary cancer-predisposing syndrome. Last evaluated: 2017-07-07. Review status: criteria provided, single submitter. Criteria: Ambry Variant Classification Scheme 2023. Collection method: clinical testing. Allele origin: germline.

NM_144997.7(FLCN):c.837C>G (p.Thr279=)

Gene: FLCN (folliculin; minus strand). Cytogenetic location: 17p11.2.
Variant type: single nucleotide variant.
Coding change: c.837C>G on transcript NM_144997.7 (MANE Select); coding-DNA position 837, C replaced by G.
Protein change: p.Thr279=; no amino-acid change (threonine 279 retained).
Molecular consequence: synonymous variant.
Genome position (GRCh38, 1-based): chr17:17,221,571, G>C on the plus strand (C>G on the coding strand, the complement: FLCN is on the minus strand). VCF-style: chr17-17221571-G-C. GRCh37 (hg19) VCF-style: chr17-17124885-G-C.
Other names: c.837C>G (LRG_325t1); c.891C>G, p.Thr297= (NM_001353229.2); c.837C>G, p.Thr279= (NM_001353230.2, NM_001353231.2, NM_144606.7).
Identifiers: ClinVar variation 485629 (VCV000485629.13), dbSNP rs751877389, ClinGen allele CA498163742.